The following is an entry in ClinVar:

ClinVar aggregate classification (germline): Pathogenic (1 of 4 stars; one submission).

Submission:

Labcorp Genetics (formerly Invitae), Labcorp
Classification: Pathogenic. Last evaluated: 2023-11-21. Review status: criteria provided, single submitter. Criteria: Invitae Variant Classification Sherloc (09022015). Collection method: clinical testing. Allele origin: germline.
Comment: This sequence change creates a premature translational stop signal (p.Trp65Hisfs*38) in the NEU1 gene. It is expected to result in an absent or disrupted protein product. Loss-of-function variants in NEU1 are known to be pathogenic (PMID: 11063730, 14517945). This variant is not present in population databases (gnomAD no frequency). This variant has not been reported in the literature in individuals affected with NEU1-related conditions. For these reasons, this variant has been classified as Pathogenic.

Literature cited by the submitters: PubMed 11063730; PubMed 14517945.

NM_000434.4(NEU1):c.192_193insCATGGTCAGCCGCTGGTGACCA (p.Trp65fs)

Gene: NEU1 (neuraminidase 1; minus strand). Cytogenetic location: 6p21.33.
Variant type: Insertion.
Coding change: c.192_193insCATGGTCAGCCGCTGGTGACCA on transcript NM_000434.4 (MANE Select); coding-DNA positions 192 to 193, CATGGTCAGCCGCTGGTGACCA inserted.
Protein change: p.Trp65fs; shifts the reading frame from tryptophan 65.
Molecular consequence: frameshift variant.
Genome position: GRCh38 VCF-style: chr6-31862158-A-ATGGTCACCAGCGGCTGACCATG. GRCh37 (hg19) VCF-style: chr6-31829935-A-ATGGTCACCAGCGGCTGACCATG.
Other names: short protein forms W65fs.
Identifiers: ClinVar variation 2697868 (VCV002697868.3), dbSNP rs2481409372, ClinGen allele CA2697546659.